The following is an entry in ClinVar:

NM_000393.5(COL5A2):c.2479C>A (p.Pro827Thr)

Gene: COL5A2 (collagen type V alpha 2 chain; minus strand). Cytogenetic location: 2q32.2.
Variant type: single nucleotide variant.
Coding change: c.2479C>A on transcript NM_000393.5 (MANE Select); coding-DNA position 2479, C replaced by A.
Protein change: p.Pro827Thr; replaces proline 827 with threonine.
Molecular consequence: missense variant.
Genome position (GRCh38, 1-based): chr2:189,053,915, G>T on the plus strand (C>A on the coding strand, the complement: COL5A2 is on the minus strand). VCF-style: chr2-189053915-G-T. GRCh37 (hg19) VCF-style: chr2-189918641-G-T.
Other names: short protein forms P827T.
Identifiers: ClinVar variation 3665050 (VCV003665050.2).

ClinVar aggregate classification (germline): Uncertain significance (1 of 4 stars; one submission).

Conditions:
Ehlers-Danlos syndrome, classic type, 1 (EDSCL1). Also called: EHLERS-DANLOS SYNDROME, GRAVIS TYPE; EHLERS-DANLOS SYNDROME, SEVERE CLASSIC TYPE; Ehlers-Danlos syndrome, type 1; Ehlers-Danlos Syndrome, Classic Type, COL5A1-Related; EDS I. Identifiers: MedGen C0268335, MONDO:0019567, OMIM 130000.

Submission:

Labcorp Genetics (formerly Invitae), Labcorp
Classification: Uncertain significance for Ehlers-Danlos syndrome, classic type, 1. Last evaluated: 2025-01-07. Review status: criteria provided, single submitter. Criteria: Invitae Variant Classification Sherloc (09022015). Collection method: clinical testing. Allele origin: germline.
Comment: This sequence change replaces proline, which is neutral and non-polar, with threonine, which is neutral and polar, at codon 827 of the COL5A2 protein (p.Pro827Thr). This variant is not present in population databases (gnomAD no frequency). This variant has not been reported in the literature in individuals affected with COL5A2-related conditions. Invitae Evidence Modeling of protein sequence and biophysical properties (such as structural, functional, and spatial information, amino acid conservation, physicochemical variation, residue mobility, and thermodynamic stability) indicates that this missense variant is not expected to disrupt COL5A2 protein function with a negative predictive value of 80%. In summary, the available evidence is currently insufficient to determine the role of this variant in disease. Therefore, it has been classified as a Variant of Uncertain Significance.